The following is an entry in ClinVar:

NM_001034853.2(RPGR):c.310+3A>G

Gene: RPGR (retinitis pigmentosa GTPase regulator; minus strand). Cytogenetic location: Xp11.4.
Variant type: single nucleotide variant.
Coding change: c.310+3A>G on transcript NM_001034853.2 (MANE Select); 3 bases into the intron after coding-DNA position 310, A replaced by G.
Molecular consequence: intron variant.
Genome position (GRCh38, 1-based): chrX:38,321,024, T>C on the plus strand (A>G on the coding strand, the complement: RPGR is on the minus strand). VCF-style: chrX-38321024-T-C. GRCh37 (hg19) VCF-style: chrX-38180277-T-C.
Other names: c.310+3A>G (NM_001367249.1, NM_001367250.1, NM_001367245.1 and 4 more transcripts); c.340+3A>G (NM_001367248.1).
Identifiers: ClinVar variation 98780 (VCV000098780.8), dbSNP rs62638640, ClinGen allele CA226412.
Genomic context (GRCh38, chrX:38,321,024, plus strand): 5'-TTACTGGAATGAGACCTCAGTTCTCAAAGTCAGGCAGGAAATCATACAGGTTGAGCACTA[T>C]ACCTGTTGACACCAGGGTGTGGTTCCTTCCACAGGCAGCTAATTTCACTTTTTCAGGTTT-3'

ClinVar aggregate classification (germline): Pathogenic. Review status: reviewed by expert panel (3 of 4 stars). 4 submissions from 4 submitters: Pathogenic (1). 3 of the submissions do not count toward it. Last evaluated 2025-09-06.

Conditions:
RPGR-related retinopathy. Also called: RPGR retinopathy. Identifiers: MedGen CN305589, MONDO:0100437.
RPGR-related disorder. Also called: RPGR-related condition.
Primary ciliary dyskinesia. Also called: Ciliary dyskinesia. Identifiers: Orphanet 244, MedGen C0008780, MONDO:0016575, HP:0012265.

Submissions (4):

ClinGen X-linked Inherited Retinal Disease Variant Curation Expert Panel, ClinGen
Classification: Pathogenic for RPGR-related retinopathy. Last evaluated: 2025-09-06. Review status: reviewed by expert panel. Criteria: ClinGen X LinkedIRD ACMG Specifications RPGR V1.0.0. Collection method: curation. Allele origin: germline. Inheritance: X-linked inheritance.
Comment: NM_001034853.2(RPGR):c.310+3A>G is an intronic variant located in intron 4. The splicing impact predictor SpliceAI gives a score of 0.93 for donor loss, which is above the ClinGen X-linked IRD VCEP recommended threshold of ≥0.2 and predicts a damaging impact on splicing, while cells transected with the variant intron showed no mCherry signal relative to the wild-type intron control, indicating severely defective splicing.(PMID: 36276946, PVS1). The PP3 and PS3_Supporting codes were not met as PVS1 has been applied instead. This variant is absent from hemizygotes in gnomAD v4.1.0 (PM2_Supporting). This variant has been reported in at least 2 apparently unrelated probands meeting one of the PS4 requirements of a male with some functional vision impairment by age 30 years and/or decreased or absent electroretinogram responses, or a female with functional visual abnormality and documentation of a male relative affected with retinitis pigmentosa (PMID: 16969763, PMID: 21857984, PS4_Supporting). At least one proband harboring this variant exhibits a phenotype including early onset (1 pt), reduced visual acuity (0.5 pts), reduction in visual fields (0.5 pts), optic disc pallor (0.5 pts), night blindness (0.5 pts), pigmentary deposits (0.5 pts), nondetectable electroretinogram responses, and genotyping by next-generation sequencing with a panel of 483 genes that did not identify an alternative basis for retinal disease (2 pts), which together are specific for RPGR-related retinopathy (5.5 pts, PP4). The variant has been reported to segregate through at least 2 meioses from 1 family, however, the PP1 code was not met as the female carriers were not described as affected (PMID: 36276946). In summary, this variant is classified as pathogenic for RPGR-related retinopathy based on the ClinGen X-linked Inherited Retinal Disease Expert Panel Specifications to the ACMG/AMP Variant Interpretation Guidelines for RPGR Version 1.0.0; PVS1, PM2_Supporting, PP4, and PS4_Supporting.

Labcorp Genetics (formerly Invitae), Labcorp
Classification: Uncertain significance for Primary ciliary dyskinesia. Last evaluated: 2023-07-07. Review status: criteria provided, single submitter. Criteria: Invitae Variant Classification Sherloc (09022015). Collection method: clinical testing. Allele origin: germline. Not counted in ClinVar's aggregate classification.
Comment: ClinVar contains an entry for this variant (Variation ID: 98780). This sequence change falls in intron 4 of the RPGR gene. It does not directly change the encoded amino acid sequence of the RPGR protein. It affects a nucleotide within the consensus splice site. This variant is not present in population databases (gnomAD no frequency). This variant has been observed in individuals with retinitis pigmentosa (PMID: 9399904, 33090715). This variant is also known as IVS4+3A>G, 369+3A>G. Variants that disrupt the consensus splice site are a relatively common cause of aberrant splicing (PMID: 17576681, 9536098). Algorithms developed to predict the effect of sequence changes on RNA splicing suggest that this variant may disrupt the consensus splice site. In summary, the available evidence is currently insufficient to determine the role of this variant in disease. Therefore, it has been classified as a Variant of Uncertain Significance.

Blueprint Genetics
Classification: Likely pathogenic for RPGR-related disorders. Last evaluated: 2021-11-03. Review status: criteria provided, single submitter. Criteria: ACMG Guidelines, 2015. Collection method: clinical testing. Allele origin: germline. Affected: yes. Observed: 2 variant alleles. Not counted in ClinVar's aggregate classification.

Retina International
No classification provided. Review status: no classification provided. Collection method: not provided. Allele origin: not provided. Not counted in ClinVar's aggregate classification.

Literature cited by the submitters: PubMed 9399904 (cited by Labcorp Genetics (formerly Invitae), Labcorp); PubMed 33090715 (cited by Labcorp Genetics (formerly Invitae), Labcorp); PubMed 17576681 (cited by Labcorp Genetics (formerly Invitae), Labcorp); PubMed 9536098 (cited by Labcorp Genetics (formerly Invitae), Labcorp).